The following is an entry in ClinVar:

NM_004977.3(KCNC3):c.2196C>A (p.Pro732=)

Gene: KCNC3 (potassium voltage-gated channel subfamily C member 3; minus strand). Cytogenetic location: 19q13.33.
Variant type: single nucleotide variant.
Coding change: c.2196C>A on transcript NM_004977.3 (MANE Select); coding-DNA position 2196, C replaced by A.
Protein change: p.Pro732=; no amino-acid change (proline 732 retained).
Molecular consequence: synonymous variant.
Genome position (GRCh38, 1-based): chr19:50,320,324, G>T on the plus strand (C>A on the coding strand, the complement: KCNC3 is on the minus strand). VCF-style: chr19-50320324-G-T. GRCh37 (hg19) VCF-style: chr19-50823581-G-T.
Other names: c.1968C>A, p.Pro656= (NM_001372305.1).
Identifiers: ClinVar variation 3778081 (VCV003778081.7).
Genomic context (GRCh38, chr19:50,320,324, plus strand): 5'-CGCGGCGTTGGCGTTGAGGTCGGGCAAGAAGCTTGGGGGGCCTGGCTTACGCCAGTCTTG[G>T]GGGGGCAGTGGGGGAGCACCAGTGGCTGGGGGTGGGGGAAGAGGCCAGAGAGTTGGGGGG-3'
Protein context (NP_004968.2, residues 722-742): RKATGAPPLP[Pro732=]QDWRKPGPPS

ClinVar aggregate classification (germline): Likely benign (1 of 4 stars; one submission).

gnomAD v4.1: 14 of 433,106 alleles (0.0032%); highest among the groups gnomAD compares: South Asian, 0.0074%; no homozygotes.

Submission:

CeGaT Center for Human Genetics Tuebingen
Classification: Likely benign. Last evaluated: 2025-03-01. Review status: criteria provided, single submitter. Criteria: CeGaT Center For Human Genetics Tuebingen Variant Classification Criteria Version 2. Collection method: clinical testing. Allele origin: germline. Affected: yes. Observed: 1 variant allele.
Comment: KCNC3: BP4, BP7